The following is an entry in ClinVar:

ClinVar aggregate classification (germline): Uncertain significance (1 of 4 stars; one submission).

Submission:

Labcorp Genetics (formerly Invitae), Labcorp
Classification: Uncertain significance. Last evaluated: 2023-07-07. Review status: criteria provided, single submitter. Criteria: Invitae Variant Classification Sherloc (09022015). Collection method: clinical testing. Allele origin: germline.
Comment: This sequence change replaces asparagine, which is neutral and polar, with threonine, which is neutral and polar, at codon 703 of the TRRAP protein (p.Asn703Thr). This variant is not present in population databases (gnomAD no frequency). This variant has not been reported in the literature in individuals affected with TRRAP-related conditions. ClinVar contains an entry for this variant (Variation ID: 1720948). Advanced modeling of protein sequence and biophysical properties (such as structural, functional, and spatial information, amino acid conservation, physicochemical variation, residue mobility, and thermodynamic stability) performed at Invitae indicates that this missense variant is not expected to disrupt TRRAP protein function. In summary, the available evidence is currently insufficient to determine the role of this variant in disease. Therefore, it has been classified as a Variant of Uncertain Significance.

NM_001375524.1(TRRAP):c.2108A>C (p.Asn703Thr)

Gene: TRRAP (transformation/transcription domain associated protein; plus strand). Cytogenetic location: 7q22.1.
Variant type: single nucleotide variant.
Coding change: c.2108A>C on transcript NM_001375524.1 (MANE Select); coding-DNA position 2108, A replaced by C.
Protein change: p.Asn703Thr; replaces asparagine 703 with threonine.
Molecular consequence: missense variant.
Genome position (GRCh38, 1-based): chr7:98,912,122, A>C. VCF-style: chr7-98912122-A-C. GRCh37 (hg19) VCF-style: chr7-98509745-A-C.
Other names: c.2108A>C, p.Asn703Thr (NM_001244580.2, NM_003496.4); short protein forms N703T.
Identifiers: ClinVar variation 1720948 (VCV001720948.5), dbSNP rs782709856, ClinGen allele CA368288546.